The following is an entry in ClinVar:

ClinVar aggregate classification (germline): Likely benign. Review status: criteria provided, multiple submitters, no conflicts (2 of 4 stars). 2 submissions from 2 submitters: Likely benign (2). Last evaluated 2025-10-02.

Submissions (3):

Mayo Clinic Laboratories, Mayo Clinic
Classification: Likely benign. Last evaluated: 2025-10-02. Review status: criteria provided, single submitter. Criteria: ACMG Guidelines, 2015. Collection method: clinical testing. Allele origin: germline. Observed: 40 variant alleles.
Comment: BP4, BP7, PM2_moderate

Laboratory of Genetics, Children's Clinical University Hospital Latvia
Classification: Likely benign. Last evaluated: 2025-02-16. Review status: criteria provided, single submitter. Criteria: ACMG Guidelines, 2015. Collection method: clinical testing. Allele origin: germline. Affected: yes.

Dr. Peter K. Rogan Lab, Western University
No classification provided (evidence only). Condition: Familial cancer of breast. Review status: no classification provided. Collection method: in vitro. Allele origin: not applicable. Functional consequence: retained intron. Not counted in ClinVar's aggregate classification.

NM_005219.5(DIAPH1):c.3149-4_3149-3del

Gene: DIAPH1 (diaphanous related formin 1; minus strand). Cytogenetic location: 5q31.3.
Variant type: Deletion.
Coding change: c.3149-4_3149-3del on transcript NM_005219.5 (MANE Select); 4 bases into the intron before coding-DNA position 3149 through 3 bases into the intron before coding-DNA position 3149, 2 bases deleted (TT; older notation c.3149-4_3149-3delTT).
Molecular consequence: intron variant.
Genome position (GRCh38, 1-based): chr5:141,527,700-141,527,701, AA deleted on the plus strand (TT on the coding strand, the reverse complement: DIAPH1 is on the minus strand); deleting any 2 consecutive bases within chr5:141,527,700-141,527,722 gives the same sequence; the c. name uses the placement nearest the transcript's 3' end. VCF-style (leftmost placement, unchanged base first): chr5-141527699-TAA-T. GRCh37 (hg19) VCF-style: chr5-140907266-TAA-T.
Other names: NC_000005.9:g.140907288_140907289del; p.?; c.3122-4_3122-3del (NM_001079812.3); c.3149-4_3149-3del (NM_001314007.2); c.3149-25_3149-24del (NM_005219.5).
Identifiers: ClinVar variation 3910484 (VCV003910484.3).